The following is an entry in ClinVar:

ClinVar aggregate classification (germline): Benign/Likely benign. Review status: criteria provided, multiple submitters, no conflicts (2 of 4 stars). 2 submissions from 2 submitters: Benign (1); Likely benign (1). Last evaluated 2025-05-02.

Conditions:
Tuberous sclerosis 2 (TSC2). Identifiers: Orphanet 805, MedGen C1860707, MONDO:0013199, OMIM 613254.

gnomAD v4.1: 1 of 1,614,188 alleles (0.000062%); highest among the groups gnomAD compares: Non-Finnish European, 0.000085%; no homozygotes.

Submissions (2):

Myriad Genetics, Inc.
Classification: Benign for Tuberous sclerosis 2. Last evaluated: 2025-05-02. Review status: criteria provided, single submitter. Criteria: Myriad Autosomal Dominant, Autosomal Recessive and X-Linked Classification Criteria (2023). Collection method: clinical testing. Allele origin: unknown.
Comment: This variant is considered benign. This variant is a silent/synonymous amino acid change and it is not expected to impact splicing.

Labcorp Genetics (formerly Invitae), Labcorp
Classification: Likely benign for Tuberous sclerosis 2. Last evaluated: 2024-07-22. Review status: criteria provided, single submitter. Criteria: Invitae Variant Classification Sherloc (09022015). Collection method: clinical testing. Allele origin: germline.

NM_000548.5(TSC2):c.348G>A (p.Leu116=)

Gene: TSC2 (TSC complex subunit 2; plus strand). Cytogenetic location: 16p13.3.
Variant type: single nucleotide variant.
Coding change: c.348G>A on transcript NM_000548.5 (MANE Select); coding-DNA position 348, G replaced by A.
Protein change: p.Leu116=; no amino-acid change (leucine 116 retained).
Molecular consequence: synonymous variant. On other transcripts: intron variant (1).
Genome position (GRCh38, 1-based): chr16:2,054,307, G>A. VCF-style: chr16-2054307-G-A. GRCh37 (hg19) VCF-style: chr16-2104308-G-A.
Other names: c.348G>A, p.Leu116= (NM_001077183.3, NM_001114382.3, NM_001363528.2 and 3 more transcripts); c.237G>A, p.Leu79= (NM_001318827.2); c.201G>A, p.Leu67= (NM_001318829.2); c.381G>A, p.Leu127= (NM_001318832.2); c.-1-1889G>A (NM_001318831.2).
Identifiers: ClinVar variation 1564738 (VCV001564738.9), dbSNP rs2151040222, ClinGen allele CA492955341.